The following is an entry in ClinVar:

NM_021098.3(CACNA1H):c.6145G>A (p.Val2049Met)

Gene: CACNA1H (calcium voltage-gated channel subunit alpha1 H; plus strand). Cytogenetic location: 16p13.3.
Variant type: single nucleotide variant.
Coding change: c.6145G>A on transcript NM_021098.3 (MANE Select); coding-DNA position 6145, G replaced by A.
Protein change: p.Val2049Met; replaces valine 2049 with methionine.
Molecular consequence: missense variant.
Genome position (GRCh38, 1-based): chr16:1,220,077, G>A. VCF-style: chr16-1220077-G-A. GRCh37 (hg19) VCF-style: chr16-1270077-G-A.
Other names: c.6127G>A, p.Val2043Met (NM_001005407.2); c.6145G>A (NM_021098.2); short protein forms V2049M, V2043M.
Identifiers: ClinVar variation 1040634 (VCV001040634.11), dbSNP rs756418923, ClinGen allele CA7802245.

ClinVar aggregate classification (germline): Uncertain significance. Review status: criteria provided, multiple submitters, no conflicts (2 of 4 stars). 2 submissions from 2 submitters: Uncertain significance (2). Last evaluated 2025-04-13.

Conditions:
Idiopathic generalized epilepsy. Also called: EIG; Generalised epilepsy. Identifiers: MedGen C0270850, MONDO:0005579, OMIM 600669.
Hyperaldosteronism, familial, type IV (HALD4). Also called: FH IV; ALDOSTERONISM, PRIMARY, AND HYPERTENSION. Identifiers: Orphanet 642671, MedGen C4310756, MONDO:0014875, OMIM 617027.
Inborn genetic diseases. Identifiers: MedGen C0950123, MeSH D030342.

Allele frequency attached by ClinVar (database versions not stated): gnomAD exomes 0.00001; TOPMed 0.00001; ExAC below 0.00001.
gnomAD v4.1: 7 of 1,446,758 alleles (0.00048%); highest among the groups gnomAD compares: Middle Eastern, 0.037%; no homozygotes.

Submissions (2):

Ambry Genetics
Classification: Uncertain significance for Inborn genetic diseases. Last evaluated: 2025-04-13. Review status: criteria provided, single submitter. Criteria: Ambry Variant Classification Scheme 2023. Collection method: clinical testing. Allele origin: germline.

Labcorp Genetics (formerly Invitae), Labcorp
Classification: Uncertain significance for Idiopathic generalized epilepsy; Hyperaldosteronism, familial, type IV. Last evaluated: 2022-07-26. Review status: criteria provided, single submitter. Criteria: Invitae Variant Classification Sherloc (09022015). Collection method: clinical testing. Allele origin: germline.
Comment: In summary, the available evidence is currently insufficient to determine the role of this variant in disease. Therefore, it has been classified as a Variant of Uncertain Significance. Advanced modeling of protein sequence and biophysical properties (such as structural, functional, and spatial information, amino acid conservation, physicochemical variation, residue mobility, and thermodynamic stability) performed at Invitae indicates that this missense variant is not expected to disrupt CACNA1H protein function. ClinVar contains an entry for this variant (Variation ID: 1040634). This variant has not been reported in the literature in individuals affected with CACNA1H-related conditions. This variant is not present in population databases (gnomAD no frequency). This sequence change replaces valine, which is neutral and non-polar, with methionine, which is neutral and non-polar, at codon 2049 of the CACNA1H protein (p.Val2049Met).